The following is an entry in ClinVar:

NM_005902.4(SMAD3):c.93C>G (p.Cys31Trp)

Gene: SMAD3 (SMAD family member 3; plus strand). Cytogenetic location: 15q22.33.
Variant type: single nucleotide variant.
Coding change: c.93C>G on transcript NM_005902.4 (MANE Select); coding-DNA position 93, C replaced by G.
Protein change: p.Cys31Trp; replaces cysteine 31 with tryptophan.
Molecular consequence: missense variant.
Genome position (GRCh38, 1-based): chr15:67,066,247, C>G. VCF-style: chr15-67066247-C-G. GRCh37 (hg19) VCF-style: chr15-67358585-C-G.
Other names: c.93C>G, p.Cys31Trp (NM_001407011.1, NM_001407012.1, NM_001407013.1); short protein forms C31W.
Identifiers: ClinVar variation 4739102 (VCV004739102.1).

ClinVar aggregate classification (germline): Uncertain significance (1 of 4 stars; one submission).

Conditions:
Familial thoracic aortic aneurysm and aortic dissection (TAAD). Also called: Thoracic aortic aneurysms and dissections. Identifiers: Orphanet 91387, MedGen C4707243, MONDO:0019625.

Submission:

Labcorp Genetics (formerly Invitae), Labcorp
Classification: Uncertain significance for Familial thoracic aortic aneurysm and aortic dissection. Last evaluated: 2025-11-06. Review status: criteria provided, single submitter. Criteria: Invitae Variant Classification Sherloc (09022015). Collection method: clinical testing. Allele origin: germline.
Comment: This sequence change replaces cysteine, which is neutral and slightly polar, with tryptophan, which is neutral and slightly polar, at codon 31 of the SMAD3 protein (p.Cys31Trp). This variant is not present in population databases (gnomAD no frequency). This missense change has been observed in individuals with aortic dissection (PMID: 29543232). Invitae Evidence Modeling of protein sequence and biophysical properties (such as structural, functional, and spatial information, amino acid conservation, physicochemical variation, residue mobility, and thermodynamic stability) indicates that this missense variant is expected to disrupt SMAD3 protein function with a positive predictive value of 80%. In summary, the available evidence is currently insufficient to determine the role of this variant in disease. Therefore, it has been classified as a Variant of Uncertain Significance.

Literature cited by the submitters: PubMed 29543232.